The following is an entry in ClinVar:

NM_005359.6(SMAD4):c.1239_1241del (p.Tyr413_Leu414delinsTer)

Gene: SMAD4 (SMAD family member 4; plus strand). Cytogenetic location: 18q21.2.
Variant type: Deletion.
Coding change: c.1239_1241del on transcript NM_005359.6 (MANE Select); coding-DNA positions 1239 to 1241, 3 bases deleted (CTT; older notation c.1239_1241delCTT).
Protein change: p.Tyr413_Leu414delinsTer.
Molecular consequence: nonsense.
Genome position (GRCh38, 1-based): chr18:51,067,118-51,067,120, CTT deleted. VCF-style (leftmost placement, unchanged base first): chr18-51067117-ACTT-A. GRCh37 (hg19) VCF-style: chr18-48593487-ACTT-A.
Other names: c.1239_1241delCTT (NM_005359.5).
Identifiers: ClinVar variation 486987 (VCV000486987.5), dbSNP rs1555686610, ClinGen allele CA658658751.

ClinVar aggregate classification (germline): Pathogenic (1 of 4 stars; one submission).

Conditions:
Hereditary cancer-predisposing syndrome. Also called: Tumor predisposition; Hereditary Cancer Syndrome; Hereditary neoplastic syndrome; Neoplastic Syndromes, Hereditary. Identifiers: Orphanet 140162, MedGen C0027672, MeSH D009386, MONDO:0015356.
Familial thoracic aortic aneurysm and aortic dissection (TAAD). Also called: Thoracic aortic aneurysms and dissections. Identifiers: Orphanet 91387, MedGen C4707243, MONDO:0019625.

Submission:

Ambry Genetics
Classification: Pathogenic for Hereditary cancer-predisposing syndrome; Familial thoracic aortic aneurysm and aortic dissection. Last evaluated: 2017-02-13. Review status: criteria provided, single submitter. Criteria: Ambry Variant Classification Scheme 2023. Collection method: clinical testing. Allele origin: germline.
Comment: The c.1239_1241delCTT pathogenic mutation (also known as p.Y413*) located in coding exon 9 of the SMAD4 gene, results from CTT deletion at nucleotide positions 1239 to 1241. This changes the amino acid from a tyrosine to a stop codon at codon 413. This alteration is expected to result in loss of function by premature protein truncation or nonsense-mediated mRNA decay. As such, this alteration is interpreted as a disease-causing mutation.